The following is an entry in ClinVar:

ClinVar aggregate classification (germline): Likely pathogenic (1 of 4 stars; one submission).

Submission:

Ambry Genetics
Classification: Likely pathogenic. Last evaluated: 2017-06-30. Review status: criteria provided, single submitter. Criteria: Ambry Variant Classification Scheme 2023. Collection method: clinical testing. Allele origin: germline.
Comment: The p.G122R variant (also known as c.364G>C), located in coding exon 4 of the GBA gene, results from a G to C substitution at nucleotide position 364. The glycine at codon 122 is replaced by arginine, an amino acid with dissimilar properties. This amino acid position is highly conserved in available vertebrate species. In addition, this alteration is predicted to be deleterious by in silico analysis. Based on the majority of available evidence to date, this variant is likely to be pathogenic.

NM_000157.4(GBA1):c.364G>C (p.Gly122Arg)

Genes: GBA1 (glucosylceramidase beta 1; minus strand), LOC106627981 (GBA recombination region; plus strand). Cytogenetic location: 1q22.
Variant type: single nucleotide variant.
Coding change: c.364G>C on transcript NM_000157.4 (MANE Select); coding-DNA position 364, G replaced by C.
Protein change: p.Gly122Arg; replaces glycine 122 with arginine.
Molecular consequence: missense variant. On other transcripts: intron variant (1).
Genome position (GRCh38, 1-based): chr1:155,239,706, C>G on the plus strand (G>C on the coding strand, the complement: GBA1 is on the minus strand). VCF-style: chr1-155239706-C-G. GRCh37 (hg19) VCF-style: chr1-155209497-C-G.
Other names: c.364G>C, p.Gly122Arg (NM_001005741.3, NM_001005742.3); c.103G>C, p.Gly35Arg (NM_001171811.2); c.307+180G>C (NM_001171812.2); short protein forms G122R, G35R.
Identifiers: ClinVar variation 1799861 (VCV001799861.2), dbSNP rs2524844959, ClinGen allele CA342726268.
Genomic context (GRCh38, chr1:155,239,706, plus strand): 5'-AATTTTGGGCAGGGGGTGACAGGGCAAGGATGTTGAGAGCAGCAGCATCTGTCATGGCCC[C>G]TCCAAATCCCTTCACTTTCTGGAACTTCTGTTCTGGCTGCAGGGTCAGTAGCAGGCCTGA-3'
Protein context (NP_000148.2, residues 112-132): QKFQKVKGFG[Gly122Arg]AMTDAAALNI